The following is an entry in ClinVar:

NM_032043.3(BRIP1):c.1804G>T (p.Asp602Tyr)

Gene: BRIP1 (BRCA1 interacting DNA helicase 1; minus strand). Cytogenetic location: 17q23.2.
Variant type: single nucleotide variant.
Coding change: c.1804G>T on transcript NM_032043.3 (MANE Select); coding-DNA position 1804, G replaced by T.
Protein change: p.Asp602Tyr; replaces aspartic acid 602 with tyrosine.
Molecular consequence: missense variant.
Genome position (GRCh38, 1-based): chr17:61,780,392, C>A on the plus strand (G>T on the coding strand, the complement: BRIP1 is on the minus strand). VCF-style: chr17-61780392-C-A. GRCh37 (hg19) VCF-style: chr17-59857753-C-A.
Other names: short protein forms D602Y.
Identifiers: ClinVar variation 619662 (VCV000619662.7), dbSNP rs770750488, ClinGen allele CA8690642.
Genomic context (GRCh38, chr17:61,780,392, plus strand): 5'-ATTTCATTGGTGATAATGTACCAGATGTCAAAACAATGGTCTGAACTTTGCCATTAATAT[C>A]TGAAAAGGCCTAAAAGAAAACAACATTAGATAAATAAAATTATCTTTAGAAGAGGCTGGG-3'
Protein context (NP_114432.2, residues 592-612): WCLNPAVAFS[Asp602Tyr]INGKVQTIVL

ClinVar aggregate classification (germline): Uncertain significance. Review status: criteria provided, multiple submitters, no conflicts (2 of 4 stars). 3 submissions from 3 submitters: Uncertain significance (3). Last evaluated 2025-06-17.

Conditions:
Hereditary cancer-predisposing syndrome. Also called: Tumor predisposition; Neoplastic Syndromes, Hereditary; Hereditary Cancer Syndrome; Hereditary neoplastic syndrome. Identifiers: Orphanet 140162, MedGen C0027672, MeSH D009386, MONDO:0015356.
Familial cancer of breast. Also called: BREAST CANCER, FAMILIAL; Hereditary breast cancer; hereditary breast carcinoma. Identifiers: Orphanet 227535, MedGen C0346153, MONDO:0016419, OMIM 114480. Disease mechanism: loss of function.
Fanconi anemia complementation group J. Also called: BRIP1-Related Fanconi Anemia. Identifiers: Orphanet 84, MedGen C1836860, MONDO:0012187, OMIM 609054.

Allele frequency attached by ClinVar (database versions not stated): gnomAD exomes below 0.00001 and 0.00001; ExAC 0.00001.
gnomAD v4.1: 3 of 1,609,372 alleles (0.00019%); highest among the groups gnomAD compares: Non-Finnish European, 0.00026%; no homozygotes.

Submissions (3):

Labcorp Genetics (formerly Invitae), Labcorp
Classification: Uncertain significance for Familial cancer of breast; Fanconi anemia complementation group J. Last evaluated: 2025-06-17. Review status: criteria provided, single submitter. Criteria: Invitae Variant Classification Sherloc (09022015). Collection method: clinical testing. Allele origin: germline.
Comment: This sequence change replaces aspartic acid, which is acidic and polar, with tyrosine, which is neutral and polar, at codon 602 of the BRIP1 protein (p.Asp602Tyr). This variant is present in population databases (rs770750488, gnomAD 0.002%). This variant has not been reported in the literature in individuals affected with BRIP1-related conditions. ClinVar contains an entry for this variant (Variation ID: 619662). Invitae Evidence Modeling of protein sequence and biophysical properties (such as structural, functional, and spatial information, amino acid conservation, physicochemical variation, residue mobility, and thermodynamic stability) has been performed for this missense variant. However, the output from this modeling did not meet the statistical confidence thresholds required to predict the impact of this variant on BRIP1 protein function. In summary, the available evidence is currently insufficient to determine the role of this variant in disease. Therefore, it has been classified as a Variant of Uncertain Significance.

Ambry Genetics
Classification: Uncertain significance for Hereditary cancer-predisposing syndrome. Last evaluated: 2024-11-05. Review status: criteria provided, single submitter. Criteria: Ambry Variant Classification Scheme 2023. Collection method: clinical testing. Allele origin: germline.
Comment: The p.D602Y variant (also known as c.1804G>T), located in coding exon 12 of the BRIP1 gene, results from a G to T substitution at nucleotide position 1804. The aspartic acid at codon 602 is replaced by tyrosine, an amino acid with highly dissimilar properties. This amino acid position is highly conserved in available vertebrate species. In addition, the in silico prediction for this alteration is inconclusive. Based on the available evidence, the clinical significance of this variant remains unclear.

Quest Diagnostics Nichols Institute San Juan Capistrano
Classification: Uncertain significance. Last evaluated: 2017-11-24. Review status: criteria provided, single submitter. Criteria: Quest Diagnostics criteria. Collection method: clinical testing. Allele origin: germline.